The following is an entry in ClinVar:

NM_001370259.2(MEN1):c.941G>T (p.Arg314Leu)

Gene: MEN1 (menin 1; minus strand). Cytogenetic location: 11q13.1.
Variant type: single nucleotide variant.
Coding change: c.941G>T on transcript NM_001370259.2 (MANE Select); coding-DNA position 941, G replaced by T.
Protein change: p.Arg314Leu; replaces arginine 314 with leucine.
Molecular consequence: missense variant.
Genome position (GRCh38, 1-based): chr11:64,806,340, C>A on the plus strand (G>T on the coding strand, the complement: MEN1 is on the minus strand). VCF-style: chr11-64806340-C-A. GRCh37 (hg19) VCF-style: chr11-64573812-C-A.
Other names: c.941G>T, p.Arg314Leu (NM_001370261.2, NM_001407142.1, NM_001407143.1 and 7 more transcripts); c.836G>T, p.Arg279Leu (NM_001370262.2, NM_001370263.2, NM_001407148.1 and 2 more transcripts); c.956G>T, p.Arg319Leu (NM_001407145.1, NM_000244.4, NM_001407150.1 and 5 more transcripts); short protein forms R314L, R279L, R319L.
Identifiers: ClinVar variation 2013148 (VCV002013148.5), dbSNP rs771645621, ClinGen allele CA381183403.
Genomic context (GRCh38, chr11:64,806,340, plus strand): 5'-ACATTGCGGTTGCGACAGTGGTAGCCAGCCAGGTACATGTAGGGGTAGATGTGTTCATCC[C>A]GATAGTAGGTCTTGGCTGAGGCAATGCCCTGGATGGAGGTGAGGCAGAGGATCCTCAGGG-3'
Protein context (NP_001357188.2, residues 304-324): KGIASAKTYY[Arg314Leu]DEHIYPYMYL

ClinVar aggregate classification (germline): Uncertain significance. Review status: criteria provided, multiple submitters, no conflicts (2 of 4 stars). 2 submissions from 2 submitters: Uncertain significance (2). Last evaluated 2024-12-07.

Conditions:
Hereditary cancer-predisposing syndrome. Also called: Neoplastic Syndromes, Hereditary; Hereditary neoplastic syndrome; Tumor predisposition; Hereditary Cancer Syndrome. Identifiers: Orphanet 140162, MedGen C0027672, MeSH D009386, MONDO:0015356.
Multiple endocrine neoplasia, type 1 (MEN1). Also called: Endocrine adenomatosis multiple; MEN 1; MEA I; MEN I; WERMER SYNDROME. Identifiers: Orphanet 652, MedGen C0025267, MeSH D018761, MONDO:0007540, OMIM 131100.

Submissions (2):

Ambry Genetics
Classification: Uncertain significance for Hereditary cancer-predisposing syndrome. Last evaluated: 2024-12-07. Review status: criteria provided, single submitter. Criteria: Ambry Variant Classification Scheme 2023. Collection method: clinical testing. Allele origin: germline.
Comment: The p.R314L variant (also known as c.941G>T), located in coding exon 6 of the MEN1 gene, results from a G to T substitution at nucleotide position 941. The arginine at codon 314 is replaced by leucine, an amino acid with dissimilar properties. This amino acid position is conserved. In addition, the in silico prediction for this alteration is inconclusive. Based on the available evidence, the clinical significance of this variant remains unclear.

Labcorp Genetics (formerly Invitae), Labcorp
Classification: Uncertain significance for Multiple endocrine neoplasia, type 1. Last evaluated: 2022-07-02. Review status: criteria provided, single submitter. Criteria: Invitae Variant Classification Sherloc (09022015). Collection method: clinical testing. Allele origin: germline.
Comment: This variant has not been reported in the literature in individuals affected with MEN1-related conditions. This variant is not present in population databases (gnomAD no frequency). This sequence change replaces arginine, which is basic and polar, with leucine, which is neutral and non-polar, at codon 314 of the MEN1 protein (p.Arg314Leu). In summary, the available evidence is currently insufficient to determine the role of this variant in disease. Therefore, it has been classified as a Variant of Uncertain Significance. Advanced modeling of protein sequence and biophysical properties (such as structural, functional, and spatial information, amino acid conservation, physicochemical variation, residue mobility, and thermodynamic stability) performed at Invitae indicates that this missense variant is not expected to disrupt MEN1 protein function.